The following is an entry in ClinVar:

NM_000632.4(ITGAM):c.2141T>G (p.Leu714Arg)

Gene: ITGAM (integrin subunit alpha M; plus strand). Cytogenetic location: 16p11.2.
Variant type: single nucleotide variant.
Coding change: c.2141T>G on transcript NM_000632.4 (MANE Select); coding-DNA position 2141, T replaced by G.
Protein change: p.Leu714Arg; replaces leucine 714 with arginine.
Molecular consequence: missense variant.
Genome position (GRCh38, 1-based): chr16:31,324,537, T>G. VCF-style: chr16-31324537-T-G. GRCh37 (hg19) VCF-style: chr16-31335858-T-G.
Other names: c.2144T>G, p.Leu715Arg (NM_001145808.2); short protein forms L715R, L714R.
Identifiers: ClinVar variation 3688283 (VCV003688283.2).

ClinVar aggregate classification (germline): Uncertain significance (1 of 4 stars; one submission).

Submission:

Labcorp Genetics (formerly Invitae), Labcorp
Classification: Uncertain significance. Last evaluated: 2024-03-26. Review status: criteria provided, single submitter. Criteria: Invitae Variant Classification Sherloc (09022015). Collection method: clinical testing. Allele origin: germline.
Comment: This sequence change replaces leucine, which is neutral and non-polar, with arginine, which is basic and polar, at codon 714 of the ITGAM protein (p.Leu714Arg). This variant is not present in population databases (gnomAD no frequency). This variant has not been reported in the literature in individuals affected with ITGAM-related conditions. An algorithm developed to predict the effect of missense changes on protein structure and function (PolyPhen-2) suggests that this variant is likely to be disruptive. In summary, the available evidence is currently insufficient to determine the role of this variant in disease. Therefore, it has been classified as a Variant of Uncertain Significance.